The following is an entry in ClinVar:

NM_001211.6(BUB1B):c.3029C>T (p.Ser1010Phe)

Genes: BUB1B (BUB1 mitotic checkpoint serine/threonine kinase B; plus strand), BUB1B-PAK6 (BUB1B-PAK6 readthrough; plus strand). Cytogenetic location: 15q15.1.
Variant type: single nucleotide variant.
Coding change: c.3029C>T on transcript NM_001211.6 (MANE Select); coding-DNA position 3029, C replaced by T.
Protein change: p.Ser1010Phe; replaces serine 1010 with phenylalanine.
Molecular consequence: missense variant. On other transcripts: intron variant (2).
Genome position (GRCh38, 1-based): chr15:40,220,635, C>T. VCF-style: chr15-40220635-C-T. GRCh37 (hg19) VCF-style: chr15-40512836-C-T.
Other names: c.-201+2968C>T (NM_001128628.3); c.-118+2968C>T (NM_001128629.3); short protein forms S1010F.
Identifiers: ClinVar variation 1798991 (VCV001798991.3), dbSNP rs1367779530, ClinGen allele CA391689857.
Genomic context (GRCh38, chr15:40,220,635, plus strand): 5'-GTGAATTGTGGAATAAATTCTTTGTGCGGATTCTGAATGCCAATGATGAGGCCACAGTGT[C>T]TGTTCTTGGGGAGCTTGCAGCAGAAATGAATGGGGTTTTTGACACTACATTCCAAAGTCA-3'
Protein context (NP_001202.5, residues 1000-1020): ILNANDEATV[Ser1010Phe]VLGELAAEMN

ClinVar aggregate classification (germline): Uncertain significance (1 of 4 stars; one submission).

Conditions:
Inborn genetic diseases. Identifiers: MedGen C0950123, MeSH D030342.

gnomAD v4.1: 4 of 1,614,084 alleles (0.00025%); highest among the groups gnomAD compares: African/African-American, 0.0013%; no homozygotes.

Submission:

Ambry Genetics
Classification: Uncertain significance for Inborn genetic diseases. Last evaluated: 2025-05-02. Review status: criteria provided, single submitter. Criteria: Ambry Variant Classification Scheme 2023. Collection method: clinical testing. Allele origin: germline.
Comment: The p.S1010F variant (also known as c.3029C>T), located in coding exon 23 of the BUB1B gene, results from a C to T substitution at nucleotide position 3029. The serine at codon 1010 is replaced by phenylalanine, an amino acid with highly dissimilar properties. This amino acid position is conserved. In addition, this alteration is predicted to be tolerated by in silico analysis. Since supporting evidence is limited at this time, the clinical significance of this alteration remains unclear.